The following is an entry in ClinVar:

NM_057176.3(BSND):c.482C>T (p.Ala161Val)

Gene: BSND (barttin CLCNK type accessory subunit beta; plus strand). Cytogenetic location: 1p32.3.
Variant type: single nucleotide variant.
Coding change: c.482C>T on transcript NM_057176.3 (MANE Select); coding-DNA position 482, C replaced by T.
Protein change: p.Ala161Val; replaces alanine 161 with valine.
Molecular consequence: missense variant.
Genome position (GRCh38, 1-based): chr1:55,007,206, C>T. VCF-style: chr1-55007206-C-T. GRCh37 (hg19) VCF-style: chr1-55472879-C-T.
Other names: short protein forms A161V.
Identifiers: ClinVar variation 228463 (VCV000228463.21), dbSNP rs369618892, ClinGen allele CA871345.
Genomic context (GRCh38, chr1:55,007,206, plus strand): 5'-TGGGAACCAGTGATGGAGGAGAAGGTGGCCCTGGCGACGTTCAGGCCTGGATGGAGGCTG[C>T]CGTGGTCATCCACAAGGGCTCAGACGAGAGTGAAGGGGAAAGACGCCTAACTCAGAGCTG-3'
Protein context (NP_476517.1, residues 151-171): PGDVQAWMEA[Ala161Val]VVIHKGSDES

ClinVar aggregate classification (germline): Uncertain significance. Review status: criteria provided, multiple submitters, no conflicts (2 of 4 stars). 6 submissions from 6 submitters: Uncertain significance (5). 1 of the submissions does not count toward it. Last evaluated 2025-01-01.

Conditions:
Bartter syndrome. Identifiers: Orphanet 112, MedGen C0004775, MONDO:0015231.
Bartter disease type 4A. Also called: BARTTER SYNDROME, TYPE 4A, NEONATAL, WITH SENSORINEURAL DEAFNESS; BARTTER SYNDROME, NEONATAL, WITH SENSORINEURAL DEAFNESS. Identifiers: Orphanet 112, MedGen C1865270, MONDO:0011242, OMIM 602522.

Allele frequency attached by ClinVar (database versions not stated): gnomAD exomes 0.00002 and 0.00003; TOPMed 0.00003; gnomAD 0.00004; ExAC 0.00005; ESP Exome Variant Server 0.00008.
gnomAD v4.1: 32 of 1,614,060 alleles (0.002%); highest among the groups gnomAD compares: Middle Eastern, 0.18%; no homozygotes.

Submissions (6):

CeGaT Center for Human Genetics Tuebingen
Classification: Uncertain significance. Last evaluated: 2025-01-01. Review status: criteria provided, single submitter. Criteria: CeGaT Center For Human Genetics Tuebingen Variant Classification Criteria Version 2. Collection method: clinical testing. Allele origin: germline. Affected: yes. Observed: 1 variant allele.
Comment: BSND: PM2, BP4

Labcorp Genetics (formerly Invitae), Labcorp
Classification: Uncertain significance. Last evaluated: 2023-12-11. Review status: criteria provided, single submitter. Criteria: Invitae Variant Classification Sherloc (09022015). Collection method: clinical testing. Allele origin: germline.
Comment: This sequence change replaces alanine, which is neutral and non-polar, with valine, which is neutral and non-polar, at codon 161 of the BSND protein (p.Ala161Val). This variant is present in population databases (rs369618892, gnomAD 0.02%). This variant has not been reported in the literature in individuals affected with BSND-related conditions. ClinVar contains an entry for this variant (Variation ID: 228463). Advanced modeling of protein sequence and biophysical properties (such as structural, functional, and spatial information, amino acid conservation, physicochemical variation, residue mobility, and thermodynamic stability) performed at Invitae indicates that this missense variant is not expected to disrupt BSND protein function with a negative predictive value of 80%. In summary, the available evidence is currently insufficient to determine the role of this variant in disease. Therefore, it has been classified as a Variant of Uncertain Significance.

Blueprint Genetics
Classification: Uncertain significance. Last evaluated: 2023-11-10. Review status: criteria provided, single submitter. Criteria: ACMG Guidelines, 2015. Collection method: clinical testing. Allele origin: germline.

Baylor Genetics
Classification: Uncertain significance for Bartter disease type 4A. Last evaluated: 2019-08-23. Review status: criteria provided, single submitter. Criteria: ACMG Guidelines, 2015. Collection method: clinical testing. Allele origin: unknown. Affected: yes.
Comment: This variant was determined to be of uncertain significance according to ACMG Guidelines, 2015 [PMID:25741868].

Laboratory for Molecular Medicine, Mass General Brigham Personalized Medicine
Classification: Uncertain significance. Last evaluated: 2015-10-11. Review status: criteria provided, single submitter. Criteria: LMM Criteria. Collection method: clinical testing. Allele origin: germline. Observed: 1 variant allele.
Comment: The p.Ala161Val variant in BSND has not been previously reported in individuals with hearing loss or Bartter syndrome, but was identified in 6/121214 chromosome s by the Exome Aggregation Consortium (ExAC; dbS NP rs369618892). Although this variant has been seen in the general population, its frequency is not high enough to rule out a pathogenic role. Computational pr ediction tools and conservation analyses suggest that the variant may not impact the protein; however this data is not sufficient to rule out pathogenicity. In summary, the clinical significance of the p.Ala161Val variant is uncertain.

Natera, Inc.
Classification: Uncertain significance for Bartter syndrome. Last evaluated: 2020-09-16. Review status: no assertion criteria provided. Collection method: clinical testing. Allele origin: germline. Not counted in ClinVar's aggregate classification.